The following is an entry in ClinVar:

ClinVar aggregate classification (germline): Uncertain significance (1 of 4 stars; one submission).

Allele frequency attached by ClinVar (database versions not stated): gnomAD 0.00001; TOPMed 0.00001; ExAC 0.00004; gnomAD exomes 0.00006; 1000 Genomes Project 30x 0.00016; 1000 Genomes Project 0.00020.
gnomAD v4.1: 13 of 1,587,496 alleles (0.00082%); highest among the groups gnomAD compares: Admixed American, 0.022%; no homozygotes.

Submission:

Labcorp Genetics (formerly Invitae), Labcorp
Classification: Uncertain significance. Last evaluated: 2024-12-02. Review status: criteria provided, single submitter. Criteria: Invitae Variant Classification Sherloc (09022015). Collection method: clinical testing. Allele origin: germline.
Comment: This sequence change replaces cysteine, which is neutral and slightly polar, with tyrosine, which is neutral and polar, at codon 199 of the TMTC3 protein (p.Cys199Tyr). This variant is present in population databases (rs191776727, gnomAD 0.05%). This variant has not been reported in the literature in individuals affected with TMTC3-related conditions. ClinVar contains an entry for this variant (Variation ID: 1510274). An algorithm developed to predict the effect of missense changes on protein structure and function (PolyPhen-2) suggests that this variant is likely to be disruptive. In summary, the available evidence is currently insufficient to determine the role of this variant in disease. Therefore, it has been classified as a Variant of Uncertain Significance.

NM_181783.4(TMTC3):c.596G>A (p.Cys199Tyr)

Gene: TMTC3 (transmembrane O-mannosyltransferase targeting cadherins 3; plus strand). Cytogenetic location: 12q21.32.
Variant type: single nucleotide variant.
Coding change: c.596G>A on transcript NM_181783.4 (MANE Select); coding-DNA position 596, G replaced by A.
Protein change: p.Cys199Tyr; replaces cysteine 199 with tyrosine.
Molecular consequence: missense variant. On other transcripts: 5 prime UTR variant (1), non-coding transcript variant (1).
Genome position (GRCh38, 1-based): chr12:88,160,201, G>A. VCF-style: chr12-88160201-G-A. GRCh37 (hg19) VCF-style: chr12-88553978-G-A.
Other names: c.416G>A, p.Cys139Tyr (NM_001366574.1); c.377G>A, p.Cys126Tyr (NM_001366579.1); c.329G>A, p.Cys110Tyr (NM_001366580.1); c.-98G>A (NM_001366583.1); short protein forms C110Y, C139Y, C199Y, C126Y.
Identifiers: ClinVar variation 1510274 (VCV001510274.6), dbSNP rs191776727, ClinGen allele CA6713088.
Genomic context (GRCh38, chr12:88,160,201, plus strand): 5'-TTTTAGTGGCTGTTGCAACATTATGTAAAGAACAAGGAATAACAGTTGTAGGAATTTGCT[G>A]TGTGTATGAAGTGTTTATTGCCCAGGGGGTAAGCCAAACTATAAATATATAAATTTTCTT-3'
Protein context (NP_861448.2, residues 189-209): EQGITVVGIC[Cys199Tyr]VYEVFIAQGY